The following is an entry in ClinVar:

ClinVar aggregate classification (germline): Uncertain significance (1 of 4 stars; one submission).

Allele frequency attached by ClinVar (database versions not stated): gnomAD 0.00001 and 0.00002; gnomAD exomes 0.00001; TOPMed 0.00004.
gnomAD v4.1: 52 of 1,567,242 alleles (0.0033%); highest among the groups gnomAD compares: Non-Finnish European, 0.0043%; no homozygotes.

Submission:

Labcorp Genetics (formerly Invitae), Labcorp
Classification: Uncertain significance. Last evaluated: 2022-05-17. Review status: criteria provided, single submitter. Criteria: Invitae Variant Classification Sherloc (09022015). Collection method: clinical testing. Allele origin: germline.
Comment: This sequence change replaces alanine, which is neutral and non-polar, with threonine, which is neutral and polar, at codon 114 of the ARHGEF18 protein (p.Ala114Thr). This variant is present in population databases (no rsID available, gnomAD 0.003%). This variant has not been reported in the literature in individuals affected with ARHGEF18-related conditions. Algorithms developed to predict the effect of missense changes on protein structure and function output the following: SIFT: "Tolerated"; PolyPhen-2: "Benign"; Align-GVGD: "Class C0". The threonine amino acid residue is found in multiple mammalian species, which suggests that this missense change does not adversely affect protein function. In summary, the available evidence is currently insufficient to determine the role of this variant in disease. Therefore, it has been classified as a Variant of Uncertain Significance.

NM_001367823.1(ARHGEF18):c.968-64G>A

Gene: ARHGEF18 (Rho/Rac guanine nucleotide exchange factor 18; plus strand). Cytogenetic location: 19p13.2.
Variant type: single nucleotide variant.
Coding change: c.968-64G>A on transcript NM_001367823.1 (MANE Select); 64 bases into the intron before coding-DNA position 968, G replaced by A.
Molecular consequence: intron variant. On other transcripts: missense variant (1), 5 prime UTR variant (1).
Genome position (GRCh38, 1-based): chr19:7,440,280, G>A. VCF-style: chr19-7440280-G-A. GRCh37 (hg19) VCF-style: chr19-7505166-G-A.
Other names: c.178G>A, p.Ala60Thr (NM_001130955.2); c.-135G>A (NM_001367824.1); c.-71-64G>A (NM_015318.4); short protein forms A60T.
Identifiers: ClinVar variation 1489520 (VCV001489520.5), dbSNP rs1030201234, ClinGen allele CA304877728.
Genomic context (GRCh38, chr19:7,440,280, plus strand): 5'-GAGCTGCTGACCTCCAAGATCCTGTCTGTGCTGCGGCCGCAGTCGGAGCGGGGCTTCCGC[G>A]CCGGGGACCTCCGCTACCCGACCCACTTTCTCAGCACCAACTCTGTCCTTGCCTCTGTCA-3'